The following is an entry in ClinVar:

NM_002769.5(PRSS1):c.415T>A (p.Cys139Ser)

Genes: TRB (T cell receptor beta locus; plus strand), PRSS1 (serine protease 1; plus strand). Cytogenetic location: 7q34.
Variant type: single nucleotide variant.
Coding change: c.415T>A on transcript NM_002769.5 (MANE Select); coding-DNA position 415, T replaced by A.
Protein change: p.Cys139Ser; replaces cysteine 139 with serine.
Molecular consequence: missense variant.
Genome position (GRCh38, 1-based): chr7:142,751,988, T>A. VCF-style: chr7-142751988-T-A. GRCh37 (hg19) VCF-style: chr7-142459839-T-A.
Other names: short protein forms C139S.
Identifiers: ClinVar variation 38362 (VCV000038362.10), dbSNP rs397507440, ClinGen allele CA342995.
Genomic context (GRCh38, chr7:142,751,988, plus strand): 5'-ATCAACGCCCGCGTGTCCACCATCTCTCTGCCCACCGCCCCTCCAGCCACTGGCACGAAG[T>A]GCCTCATCTCTGGCTGGGGCAACACTGCGAGCTCTGGCGGTGAGTGGGACCCTTAGTCCT-3'
Protein context (NP_002760.1, residues 129-149): PTAPPATGTK[Cys139Ser]LISGWGNTAS

ClinVar aggregate classification (germline): Conflicting classifications of pathogenicity. Review status: criteria provided, conflicting classifications (1 of 4 stars). 2 submissions from 2 submitters: Likely pathogenic (1); Uncertain significance (1). Last evaluated 2021-07-24.

Conditions:
Hereditary pancreatitis (PCTT). Also called: PRSS1-Related Hereditary Pancreatitis; Hereditary chronic pancreatitis. Identifiers: Orphanet 676, MedGen C0238339, MONDO:0008185, OMIM 167800.

Allele frequency attached by ClinVar (database versions not stated): gnomAD exomes 0.00001.

Submissions (2):

Labcorp Genetics (formerly Invitae), Labcorp
Classification: Uncertain significance for Hereditary pancreatitis. Last evaluated: 2021-07-24. Review status: criteria provided, single submitter. Criteria: Invitae Variant Classification Sherloc (09022015). Collection method: clinical testing. Allele origin: germline.
Comment: This sequence change replaces cysteine with serine at codon 139 of the PRSS1 protein (p.Cys139Ser). The cysteine residue is highly conserved and there is a moderate physicochemical difference between cysteine and serine. This variant is not present in population databases (ExAC no frequency). This variant has been observed in individual(s) with chronic pancreatitis (PMID: 17003641, 20001681, 24909264). ClinVar contains an entry for this variant (Variation ID: 38362). Algorithms developed to predict the effect of missense changes on protein structure and function (SIFT, PolyPhen-2, Align-GVGD) all suggest that this variant is likely to be disruptive. Experimental studies have shown that this variant affects PRSS1 protein function (PMID: 19191323). In summary, the available evidence is currently insufficient to determine the role of this variant in disease. Therefore, it has been classified as a Variant of Uncertain Significance.

Women's Health and Genetics/Laboratory Corporation of America, LabCorp
Classification: Likely pathogenic for Hereditary pancreatitis. Last evaluated: 2021-03-12. Review status: criteria provided, single submitter. Criteria: LabCorp Variant Classification Summary - May 2015. Collection method: clinical testing. Allele origin: germline.
Comment: Variant summary: PRSS1 c.415T>A (p.Cys139Ser) results in a non-conservative amino acid change located in the Serine proteases, trypsin domain (IPR001254) of the encoded protein sequence. Five of five in-silico tools predict a damaging effect of the variant on protein function. The variant was absent in 249602 control chromosomes (gnomAD). c.415T>A has been reported in the literature in multiple individuals affected with Chronic Pancreatitis (e.g. Keiles_2006, Liu_2009, Szmola_2010, Sahin-Toth_2017). These data indicate that the variant may be associated with disease, but most of the cases were idiopathic and in individuals without a detailed family history or co-segregation studies, providing limited evidence for causality. However, a database for genetic risk factors in chronic pancreatitis reports the variant in multiple patients and classifies the variant as pathogenic. At least one publication reports experimental evidence evaluating an impact on protein function, indicating that the variant resulted in reduced secretion of trypsinogen and induced ER-stress in mammalian cells (e.g. Kereszturi_2009). No clinical diagnostic laboratories have submitted clinical-significance assessments for this variant to ClinVar after 2014. Based on the evidence outlined above, the variant was classified as likely pathogenic.

Literature cited by the submitters: PubMed 17003641 (cited by Labcorp Genetics (formerly Invitae), Labcorp and Women's Health and Genetics/Laboratory Corporation of America, LabCorp); PubMed 20001681 (cited by Labcorp Genetics (formerly Invitae), Labcorp and Women's Health and Genetics/Laboratory Corporation of America, LabCorp); PubMed 24909264 (cited by Labcorp Genetics (formerly Invitae), Labcorp and Women's Health and Genetics/Laboratory Corporation of America, LabCorp); PubMed 19191323 (cited by Labcorp Genetics (formerly Invitae), Labcorp and Women's Health and Genetics/Laboratory Corporation of America, LabCorp); PubMed 20452997 (cited by Women's Health and Genetics/Laboratory Corporation of America, LabCorp); PubMed 18272034 (cited by Women's Health and Genetics/Laboratory Corporation of America, LabCorp); PubMed 23455445 (cited by Women's Health and Genetics/Laboratory Corporation of America, LabCorp); PubMed 28650851 (cited by Women's Health and Genetics/Laboratory Corporation of America, LabCorp).